The following is an entry in ClinVar:

NM_000138.5(FBN1):c.2982G>A (p.Glu994=)

Gene: FBN1 (fibrillin 1; minus strand). Cytogenetic location: 15q21.1.
Variant type: single nucleotide variant.
Coding change: c.2982G>A on transcript NM_000138.5 (MANE Select); coding-DNA position 2982, G replaced by A.
Protein change: p.Glu994=; no amino-acid change (glutamic acid 994 retained).
Molecular consequence: synonymous variant.
Genome position (GRCh38, 1-based): chr15:48,489,951, C>T on the plus strand (G>A on the coding strand, the complement: FBN1 is on the minus strand). VCF-style: chr15-48489951-C-T. GRCh37 (hg19) VCF-style: chr15-48782148-C-T.
Identifiers: ClinVar variation 516279 (VCV000516279.7), dbSNP rs758745637, ClinGen allele CA049522.

ClinVar aggregate classification (germline): Likely benign. Review status: criteria provided, multiple submitters, no conflicts (2 of 4 stars). 4 submissions from 4 submitters: Likely benign (4). Last evaluated 2025-03-03.

Conditions:
Familial thoracic aortic aneurysm and aortic dissection (TAAD). Also called: Thoracic aortic aneurysms and dissections. Identifiers: Orphanet 91387, MedGen C4707243, MONDO:0019625.
Marfan syndrome (MFS). Also called: Marfan syndrome type 1; Marfan syndrome, classic; Marfan's syndrome; FBN1-Related Marfan Syndrome; MARFAN SYNDROME, TYPE I. Identifiers: Orphanet 284963, Orphanet 558, MedGen C0024796, MONDO:0007947, OMIM 154700.

Allele frequency attached by ClinVar (database versions not stated): ExAC 0.00001; gnomAD exomes below 0.00001.
gnomAD v4.1: 5 of 1,614,172 alleles (0.00031%); highest among the groups gnomAD compares: African/African-American, 0.0013%; no homozygotes.

Submissions (4):

Labcorp Genetics (formerly Invitae), Labcorp
Classification: Likely benign for Marfan syndrome; Familial thoracic aortic aneurysm and aortic dissection. Last evaluated: 2025-03-03. Review status: criteria provided, single submitter. Criteria: Invitae Variant Classification Sherloc (09022015). Collection method: clinical testing. Allele origin: germline.

Ambry Genetics
Classification: Likely benign for Familial thoracic aortic aneurysm and aortic dissection. Last evaluated: 2025-02-22. Review status: criteria provided, single submitter. Criteria: Ambry Variant Classification Scheme 2023. Collection method: clinical testing. Allele origin: germline.

Color Diagnostics, LLC DBA Color Health
Classification: Likely benign for Familial thoracic aortic aneurysm and aortic dissection. Last evaluated: 2018-12-13. Review status: criteria provided, single submitter. Criteria: ACMG Guidelines, 2015. Collection method: clinical testing. Allele origin: germline.

GeneDx
Classification: Likely benign. Last evaluated: 2017-12-20. Review status: criteria provided, single submitter. Criteria: GeneDx Variant Classification (06012015). Collection method: clinical testing. Allele origin: germline. Affected: yes.
Comment: This variant is considered likely benign or benign based on one or more of the following criteria: it is a conservative change, it occurs at a poorly conserved position in the protein, it is predicted to be benign by multiple in silico algorithms, and/or has population frequency not consistent with disease.